The following is an entry in ClinVar:

ClinVar aggregate classification (germline): Conflicting classifications of pathogenicity. Review status: criteria provided, conflicting classifications (1 of 4 stars). 7 submissions from 6 submitters: Uncertain significance (2); Likely benign (3). 2 of the submissions do not count toward it. Last evaluated 2024-05-14.

Conditions:
Catecholaminergic polymorphic ventricular tachycardia 1. Also called: VENTRICULAR TACHYCARDIA, CATECHOLAMINERGIC POLYMORPHIC, 1, WITH OR WITHOUT ATRIAL DYSFUNCTION AND/OR DILATED CARDIOMYOPATHY; RYR2-Related Catecholaminergic Polymorphic Ventricular Tachycardia; VENTRICULAR TACHYCARDIA, STRESS-INDUCED POLYMORPHIC 1. Identifiers: Orphanet 3286, MedGen C1631597, MONDO:0011484, OMIM 604772.
Arrhythmogenic right ventricular dysplasia 2. Identifiers: MedGen C1832931.

Allele frequency attached by ClinVar (database versions not stated): gnomAD 0.00006; gnomAD exomes 0.00009; TOPMed 0.00013; 1000 Genomes Project 0.00040; 1000 Genomes Project 30x 0.00062.
gnomAD v4.1: 156 of 1,613,100 alleles (0.0097%); highest among the groups gnomAD compares: Middle Eastern, 0.099%; no homozygotes.

Submissions (7):

Blueprint Genetics
Classification: Likely benign. Last evaluated: 2024-05-14. Review status: criteria provided, single submitter. Criteria: ACMG Guidelines, 2015. Collection method: clinical testing. Allele origin: germline.

ARUP Laboratories, Molecular Genetics and Genomics, ARUP Laboratories
Classification: Likely benign. Last evaluated: 2024-01-11. Review status: criteria provided, single submitter. Criteria: ARUP Molecular Germline Variant Investigation Process 2024. Collection method: clinical testing. Allele origin: germline.

Illumina Laboratory Services, Illumina
Classification: Uncertain significance for Catecholaminergic polymorphic ventricular tachycardia 1. Last evaluated: 2018-01-13. Review status: criteria provided, single submitter. Criteria: ICSL Variant Classification Criteria 13 December 2019. Collection method: clinical testing. Allele origin: germline.

Illumina Laboratory Services, Illumina
Classification: Uncertain significance for Catecholaminergic polymorphic ventricular tachycardia 1. Last evaluated: 2018-01-13. Review status: criteria provided, single submitter. Criteria: ICSL Variant Classification Criteria 13 December 2019. Collection method: clinical testing. Allele origin: germline.

Laboratory for Molecular Medicine, Mass General Brigham Personalized Medicine
Classification: Likely benign. Last evaluated: 2014-06-30. Review status: criteria provided, single submitter. Criteria: LMM Criteria. Collection method: clinical testing. Allele origin: germline. Observed: 1 variant allele.
Comment: 1612+13A>G in intron 16 of RYR2: This variant is not expected to have clinical s ignificance because it is not located within the splice consensus sequence.

Clinical Genetics, Academic Medical Center
Classification: Benign. Review status: no assertion criteria provided. Collection method: clinical testing. Allele origin: germline. Affected: yes. Study: VKGL Data-share Consensus. Not counted in ClinVar's aggregate classification.

Genome Diagnostics Laboratory, University Medical Center Utrecht
Classification: Likely benign. Review status: no assertion criteria provided. Collection method: clinical testing. Allele origin: germline. Affected: yes. Study: VKGL Data-share Consensus. Not counted in ClinVar's aggregate classification.

NM_001035.3(RYR2):c.1612+13A>G

Gene: RYR2 (ryanodine receptor 2; plus strand). Cytogenetic location: 1q43.
Variant type: single nucleotide variant.
Coding change: c.1612+13A>G on transcript NM_001035.3 (MANE Select); 13 bases into the intron after coding-DNA position 1612, A replaced by G.
Molecular consequence: intron variant.
Genome position (GRCh38, 1-based): chr1:237,456,748, A>G. VCF-style: chr1-237456748-A-G. GRCh37 (hg19) VCF-style: chr1-237620048-A-G.
Identifiers: ClinVar variation 179814 (VCV000179814.13), dbSNP rs368200572, ClinGen allele CA008512.